The following is an entry in ClinVar:

NM_000352.6(ABCC8):c.765C>G (p.Ile255Met)

Gene: ABCC8 (ATP binding cassette subfamily C member 8; minus strand). Cytogenetic location: 11p15.1.
Variant type: single nucleotide variant.
Coding change: c.765C>G on transcript NM_000352.6 (MANE Select); coding-DNA position 765, C replaced by G.
Protein change: p.Ile255Met; replaces isoleucine 255 with methionine.
Molecular consequence: missense variant. On other transcripts: non-coding transcript variant (1).
Genome position (GRCh38, 1-based): chr11:17,461,640, G>C on the plus strand (C>G on the coding strand, the complement: ABCC8 is on the minus strand). VCF-style: chr11-17461640-G-C. GRCh37 (hg19) VCF-style: chr11-17483187-G-C.
Other names: c.765C>G, p.Ile255Met (NM_001287174.3, NM_001351295.2, NM_001351296.2 and 1 more transcripts); short protein forms I255M.
Identifiers: ClinVar variation 1691223 (VCV001691223.1), dbSNP rs753335564, ClinGen allele CA5903780.
Genomic context (GRCh38, chr11:17,461,640, plus strand): 5'-GACCACCTGGGCGTCAAAGGCCTCGCAGAGCCGTTGGTAGTTGGTGAGGGCCCTCATGGC[G>C]ATGGGCAGCTTCCCGATGGCTCGCAAGTCGATGGGCTTCTTGTGGGCAGTCTTGATGAAG-3'
Protein context (NP_000343.2, residues 245-265): IDLRAIGKLP[Ile255Met]AMRALTNYQR

ClinVar aggregate classification (germline): Uncertain significance. Review status: criteria provided, single submitter (1 of 4 stars). 2 submissions from 1 submitter: Uncertain significance (2).

Conditions:
Transitory neonatal diabetes mellitus. Also called: Transient neonatal diabetes mellitus. Identifiers: MedGen C0342273, MONDO:0020525, HP:0008255.
Maturity-onset diabetes of the young (MODY). Also called: Maturity onset diabetes mellitus in young. Identifiers: Orphanet 552, MedGen C0342276, MONDO:0018911, HP:0004904.

Submissions (2):

Clinical Genomics, Uppaluri K&H Personalized Medicine Clinic
Classification: Uncertain significance for Maturity-onset diabetes of the young. Review status: criteria provided, single submitter. Criteria: K & H Uppaluri Personalized Medicine Clinic Variant Classification & Assertion Criteria_Updated V.1. Collection method: research. Allele origin: unknown. Inheritance: Somatic mutation.
Comment: Mutations in ABCC8 gene are associated with both neonatal diabetes mellitus as well as MODY. Patients with this mutation may have a better response to sulfonylureas. However, no sufficient evidence is found to ascertain the role of this particular variant ( rs753335564) in MODY yet.

Clinical Genomics, Uppaluri K&H Personalized Medicine Clinic
Classification: Uncertain significance for Transitory neonatal diabetes mellitus. Review status: criteria provided, single submitter. Criteria: K & H Uppaluri Personalized Medicine Clinic Variant Classification & Assertion Criteria_Updated V.1. Collection method: research. Allele origin: unknown. Inheritance: Somatic mutation.
Comment: Mutations in ABCC8 gene are associated with both neonatal diabetes mellitus as well as MODY. Patients with this mutation may have a better response to sulfonylureas. However, no sufficient evidence is found to ascertain the role of this particular variant ( rs753335564) in neonatal diabetes yet.

Literature cited by the submitters: PubMed 16885549; PubMed 21989597; PubMed 27538677; PubMed 18981553; PubMed 32027066; PubMed 16613899; PubMed 18025408; PubMed 32792356.